The following is an entry in ClinVar:

ClinVar aggregate classification (germline): Uncertain significance (1 of 4 stars; one submission).

Conditions:
Cowden syndrome (CS). Also called: Cowden's disease; Cowden's syndrome; Cowden disease. Identifiers: Orphanet 201, MedGen C0018553, MONDO:0016063. Disease mechanism: gain of function.

Submission:

Labcorp Genetics (formerly Invitae), Labcorp
Classification: Uncertain significance for Cowden syndrome. Last evaluated: 2022-09-13. Review status: criteria provided, single submitter. Criteria: Invitae Variant Classification Sherloc (09022015). Collection method: clinical testing. Allele origin: germline.
Comment: A copy number gain of the genomic region encompassing the full coding sequence of the PIK3CA gene has been identified. The boundaries of this event are unknown as they extend beyond the assayed region for this gene and therefore may encompass additional genes. As the precise location of this event is unknown, it may be in tandem or it may be located elsewhere in the genome. This variant has not been reported in the literature in individuals affected with PIK3CA-related conditions. In summary, the available evidence is currently insufficient to determine the role of this variant in disease. Therefore, it has been classified as a Variant of Uncertain Significance.

NC_000003.11:g.(?_178916614)_(178952152_?)dup

Gene: PIK3CA (phosphatidylinositol-4,5-bisphosphate 3-kinase catalytic subunit alpha; plus strand). Cytogenetic location: 3q26.32.
Variant type: Duplication.
Identifiers: ClinVar variation 1440515 (VCV001440515.2).